The following is an entry in ClinVar:

ClinVar aggregate classification (germline): Pathogenic/Likely pathogenic. Review status: criteria provided, multiple submitters, no conflicts (2 of 4 stars). 6 submissions from 6 submitters: Pathogenic (2); Likely pathogenic (4). Last evaluated 2025-11-24.

Conditions:
CSF1R-related disorder. Also called: CSF1R-related condition. Identifiers: MedGen CN379780, MONDO:0100632.
Hereditary diffuse leukoencephalopathy with spheroids. Also called: LEUKOENCEPHALOPATHY, ADULT-ONSET, WITH AXONAL SPHEROIDS AND PIGMENTED GLIA. Identifiers: Orphanet 313808, MedGen C3711381, MONDO:0030796.
Leukoencephalopathy, diffuse hereditary, with spheroids 1 (HDLS1). Also called: SUBCORTICAL GLIOSIS OF NEUMANN; CSF1R-related adult-onset leukoencephalopathy with axonal spheroids and pigmented glia; DEMENTIA, FAMILIAL, NEUMANN TYPE. Identifiers: Orphanet 313808, MedGen C5561929, MONDO:0800027, OMIM 221820.

Submissions (6):

Labcorp Genetics (formerly Invitae), Labcorp
Classification: Pathogenic. Last evaluated: 2025-11-24. Review status: criteria provided, single submitter. Criteria: Invitae Variant Classification Sherloc (09022015). Collection method: clinical testing. Allele origin: germline.
Comment: This sequence change replaces arginine, which is basic and polar, with cysteine, which is neutral and slightly polar, at codon 782 of the CSF1R protein (p.Arg782Cys). This variant is not present in population databases (gnomAD no frequency). This missense change has been observed in individuals with clinical features of autosomal dominant CSF1R-related conditions (PMID: 34652888, 35119108, 36380532). ClinVar contains an entry for this variant (Variation ID: 1297008). Invitae Evidence Modeling of protein sequence and biophysical properties (such as structural, functional, and spatial information, amino acid conservation, physicochemical variation, residue mobility, and thermodynamic stability) has been performed for this missense variant. However, the output from this modeling did not meet the statistical confidence thresholds required to predict the impact of this variant on CSF1R protein function. Experimental studies have shown that this missense change affects CSF1R function (PMID: 34652888, 35119108). This variant disrupts the p.Arg782 amino acid residue in CSF1R. Other variant(s) that disrupt this residue have been determined to be pathogenic (PMID: 22503135, 23408870, 26141825, 27619214). This suggests that this residue is clinically significant, and that variants that disrupt this residue are likely to be disease-causing. For these reasons, this variant has been classified as Pathogenic.

GeneDx
Classification: Pathogenic. Last evaluated: 2025-03-14. Review status: criteria provided, single submitter. Criteria: GeneDx Variant Classification Process June 2021. Collection method: clinical testing. Allele origin: germline. Affected: yes.
Comment: Published functional studies demonstrate a loss of kinase activity (PMID: 34652888, 35119108); Not observed at significant frequency in large population cohorts (gnomAD); In silico analysis supports that this missense variant has a deleterious effect on protein structure/function; This variant is associated with the following publications: (PMID: 36380532, 28855495, 34652888, 35119108)

PreventionGenetics, part of Exact Sciences
Classification: Likely pathogenic for CSF1R-related condition. Last evaluated: 2023-02-12. Review status: criteria provided, single submitter. Criteria: ACMG Guidelines, 2015. Collection method: clinical testing. Allele origin: germline.
Comment: The CSF1R c.2344C>T variant is predicted to result in the amino acid substitution p.Arg782Cys. This variant has been reported in the heterozygous state in two individuals with leukoencephalopathy (Tsai et al. 2021. PubMed ID: 34652888; Rosenstein et al. 2022. PubMed ID: 35119108). Functional studies found this variant results in a loss of autophosphorylation activity (Tsai et al. 2021. PubMed ID: 34652888; Rosenstein et al. 2022. PubMed ID: 35119108). Other missense variant affecting this amino acid (p.Arg782Gly p.Arg782His, p.Arg782Leu) have been reported as pathogenic (Abe et al. 2016. PubMed ID: 28025469, Kinoshita et al. 2012. PubMed ID: 22503135; Human Gene Mutation Database). This variant has not been reported in a large population database, indicating this variant is rare. In ClinVar this variant has been interpreted as likely pathogenic. This variant is interpreted as likely pathogenic.

MGZ Medical Genetics Center
Classification: Likely pathogenic for Leukoencephalopathy, diffuse hereditary, with spheroids 1. Last evaluated: 2022-08-17. Review status: criteria provided, single submitter. Criteria: ACMG Guidelines, 2015. Collection method: clinical testing. Allele origin: germline. Affected: yes. Observed: 2 variant alleles.
Comment: ACMG criteria applied: PS4_MOD, PM5, PM2_SUP, PP3

Institute of Human Genetics, University of Leipzig Medical Center
Classification: Likely pathogenic for Leukoencephalopathy, diffuse hereditary, with spheroids 1. Last evaluated: 2021-08-31. Review status: criteria provided, single submitter. Criteria: ACMG Guidelines, 2015. Collection method: clinical testing. Allele origin: unknown. Affected: yes.

Blueprint Genetics
Classification: Likely pathogenic for CSF1R-related disorders. Last evaluated: 2018-05-25. Review status: criteria provided, single submitter. Criteria: ACMG Guidelines, 2015. Collection method: clinical testing. Allele origin: germline. Affected: yes. Observed: 1 variant allele.

Literature cited by the submitters: PubMed 34652888 (cited by Labcorp Genetics (formerly Invitae), Labcorp); PubMed 35119108 (cited by Labcorp Genetics (formerly Invitae), Labcorp); PubMed 36380532 (cited by Labcorp Genetics (formerly Invitae), Labcorp); PubMed 22503135 (cited by Labcorp Genetics (formerly Invitae), Labcorp); PubMed 23408870 (cited by Labcorp Genetics (formerly Invitae), Labcorp); PubMed 26141825 (cited by Labcorp Genetics (formerly Invitae), Labcorp); PubMed 27619214 (cited by Labcorp Genetics (formerly Invitae), Labcorp).

NM_001288705.3(CSF1R):c.2344C>T (p.Arg782Cys)

Gene: CSF1R (colony stimulating factor 1 receptor; minus strand). Cytogenetic location: 5q32.
Variant type: single nucleotide variant.
Coding change: c.2344C>T on transcript NM_001288705.3 (MANE Select); coding-DNA position 2344, C replaced by T.
Protein change: p.Arg782Cys; replaces arginine 782 with cysteine.
Molecular consequence: missense variant. On other transcripts: non-coding transcript variant (2).
Genome position (GRCh38, 1-based): chr5:150,056,317, G>A on the plus strand (C>T on the coding strand, the complement: CSF1R is on the minus strand). VCF-style: chr5-150056317-G-A. GRCh37 (hg19) VCF-style: chr5-149435880-G-A.
Other names: c.2344C>T (NM_005211.3); c.2344C>T, p.Arg782Cys (NM_001349736.2, NM_001375320.1, NM_005211.4); c.1900C>T, p.Arg634Cys (NM_001375321.1); short protein forms R634C, R782C.
Identifiers: ClinVar variation 1297008 (VCV001297008.11), dbSNP rs2113779576, ClinGen allele CA361759008.